The following is an entry in ClinVar:

NM_001283009.2(RTEL1):c.304T>C (p.Cys102Arg)

Genes: RTEL1 (regulator of telomere elongation helicase 1; plus strand), RTEL1-TNFRSF6B (RTEL1-TNFRSF6B readthrough (NMD candidate); plus strand). Cytogenetic location: 20q13.33.
Variant type: single nucleotide variant.
Coding change: c.304T>C on transcript NM_001283009.2 (MANE Select); coding-DNA position 304, T replaced by C.
Protein change: p.Cys102Arg; replaces cysteine 102 with arginine.
Molecular consequence: missense variant. On other transcripts: non-coding transcript variant (1), 5 prime UTR variant (1).
Genome position (GRCh38, 1-based): chr20:63,661,852, T>C. VCF-style: chr20-63661852-T-C. GRCh37 (hg19) VCF-style: chr20-62293205-T-C.
Other names: c.-366T>C (NM_001283010.1); c.304T>C, p.Cys102Arg (NM_016434.4, NM_032957.5); c.304T>C (NM_032957.4); short protein forms C102R.
Identifiers: ClinVar variation 2175811 (VCV002175811.2), dbSNP rs754769101, ClinGen allele CA9964181.
Genomic context (GRCh38, chr20:63,661,852, plus strand): 5'-GATACGTGAGAACGTTGTCTGAGAACCGTGACTTCTGTGCTTGCTTGTGTCTGGTCAGCT[T>C]GCTACACGGACATCCCAAAGATTATTTACGCCTCCAGGACCCACTCGCAACTCACACAGG-3'
Protein context (NP_001269938.1, residues 92-112): AAAAAGDPIA[Cys102Arg]YTDIPKIIYA

ClinVar aggregate classification (germline): Uncertain significance. Review status: criteria provided, multiple submitters, no conflicts (2 of 4 stars). 2 submissions from 2 submitters: Uncertain significance (2). Last evaluated 2023-12-17.

Conditions:
Dyskeratosis congenita, autosomal recessive 5 (DKCB5). Identifiers: MedGen C3554656, MONDO:0014076, OMIM 615190.
Pulmonary fibrosis and/or bone marrow failure, Telomere-related, 3. Also called: PULMONARY FIBROSIS AND/OR BONE MARROW FAILURE SYNDROME, TELOMERE-RELATED, 3. Identifiers: Orphanet 2032, MedGen C4225346, MONDO:0014613, OMIM 616373.
Inborn genetic diseases. Identifiers: MedGen C0950123, MeSH D030342.

Allele frequency attached by ClinVar (database versions not stated): TOPMed below 0.00001; ExAC 0.00007.
gnomAD v4.1: 13 of 1,613,932 alleles (0.00081%); highest among the groups gnomAD compares: Non-Finnish European, 0.001%; no homozygotes.

Submissions (2):

Ambry Genetics
Classification: Uncertain significance for Inborn genetic diseases. Last evaluated: 2023-12-17. Review status: criteria provided, single submitter. Criteria: Ambry Variant Classification Scheme 2023. Collection method: clinical testing. Allele origin: germline.

Labcorp Genetics (formerly Invitae), Labcorp
Classification: Uncertain significance for Dyskeratosis congenita, autosomal recessive 5; Pulmonary fibrosis and/or bone marrow failure, Telomere-related, 3. Last evaluated: 2021-08-27. Review status: criteria provided, single submitter. Criteria: Invitae Variant Classification Sherloc (09022015). Collection method: clinical testing. Allele origin: germline.
Comment: This sequence change replaces cysteine with arginine at codon 102 of the RTEL1 protein (p.Cys102Arg). The cysteine residue is weakly conserved and there is a large physicochemical difference between cysteine and arginine. This variant is present in population databases (rs754769101, ExAC 0.01%). This variant has not been reported in the literature in individuals affected with RTEL1-related conditions. Algorithms developed to predict the effect of missense changes on protein structure and function (SIFT, PolyPhen-2, Align-GVGD) all suggest that this variant is likely to be tolerated. In summary, the available evidence is currently insufficient to determine the role of this variant in disease. Therefore, it has been classified as a Variant of Uncertain Significance.